The following is an entry in ClinVar:

NM_001042492.3(NF1):c.6316GTT[3] (p.Val2107_Thr2108insVal)

Gene: NF1 (neurofibromin 1; plus strand). Cytogenetic location: 17q11.2.
Variant type: Microsatellite.
Coding change: c.6316GTT[3] on transcript NM_001042492.3 (MANE Select); three copies in a row of the 3-base unit GTT starting at c.6316; the reference has two copies in a row; one copy, 3 bases duplicated.
Protein change: p.Val2107_Thr2108insVal.
Molecular consequence: inframe insertion. On other transcripts: inframe indel (1).
Genome position (GRCh38, 1-based): chr17:31,336,806-31,336,808, GTT duplicated; duplicating any 3 consecutive bases within chr17:31,336,803-31,336,808 gives the same sequence; the position shown is the placement nearest the transcript's 3' end. VCF-style (leftmost placement, unchanged base first): chr17-31336802-C-CGTT. GRCh37 (hg19) VCF-style: chr17-29663820-C-CGTT.
Other names: c.6256_6258dupGTT (NM_000267.3); c.6253_6255GTT[3], p.Val2086_Thr2087insVal (NM_000267.4).
Identifiers: ClinVar variation 1752460 (VCV001752460.2), dbSNP rs2508749368, ClinGen allele CA2580614090.

ClinVar aggregate classification (germline): Uncertain significance (1 of 4 stars; one submission).

Conditions:
Cardiovascular phenotype. Identifiers: MedGen CN230736.
Hereditary cancer-predisposing syndrome. Also called: Hereditary Cancer Syndrome; Hereditary neoplastic syndrome; Neoplastic Syndromes, Hereditary; Tumor predisposition. Identifiers: Orphanet 140162, MedGen C0027672, MeSH D009386, MONDO:0015356.

Submission:

Ambry Genetics
Classification: Uncertain significance for Cardiovascular phenotype; Hereditary cancer-predisposing syndrome. Last evaluated: 2022-08-08. Review status: criteria provided, single submitter. Criteria: Ambry Variant Classification Scheme 2023. Collection method: clinical testing. Allele origin: germline.
Comment: The c.6256_6258dupGTT variant (also known as p.V2086dup), located in coding exon 41 of the NF1 gene, results from an in-frame duplication of GTT at nucleotide positions 6256 to 6258. This results in the duplication of an extra residue between codons 2086 and 2087. This amino acid position is well conserved in available vertebrate species. Since supporting evidence is limited at this time, the clinical significance of this alteration remains unclear.